The following is an entry in ClinVar:

ClinVar aggregate classification (germline): Benign. Review status: criteria provided, multiple submitters, no conflicts (2 of 4 stars). 22 submissions from 22 submitters: Benign (14). 8 of the submissions do not count toward it. Last evaluated 2026-02-04.

Conditions:
APC-Associated Polyposis Disorders.
Hereditary cancer-predisposing syndrome. Also called: Hereditary neoplastic syndrome; Neoplastic Syndromes, Hereditary; Hereditary Cancer Syndrome; Tumor predisposition. Identifiers: Orphanet 140162, MedGen C0027672, MeSH D009386, MONDO:0015356.
Familial adenomatous polyposis 1 (FAP1). Also called: FAMILIAL ADENOMATOUS POLYPOSIS 1, ATTENUATED; POLYPOSIS, ADENOMATOUS INTESTINAL. Identifiers: MedGen C2713442, MONDO:0021056, OMIM 175100. Disease mechanism: loss of function.

Allele frequency attached by ClinVar (database versions not stated): ESP Exome Variant Server 0.03307; 1000 Genomes Project 0.03514; 1000 Genomes Project 30x 0.03763; gnomAD 0.02784 and 0.02992; TOPMed 0.03126; gnomAD exomes 0.00279 and 0.00709; ExAC 0.00886.
gnomAD v4.1: 8,478 of 1,612,880 alleles (0.53%); highest among the groups gnomAD compares: African/African-American, 9.7%; 404 homozygotes.

Submissions (22):

Labcorp Genetics (formerly Invitae), Labcorp
Classification: Benign for Familial adenomatous polyposis 1. Last evaluated: 2026-02-04. Review status: criteria provided, single submitter. Criteria: Invitae Variant Classification Sherloc (09022015). Collection method: clinical testing. Allele origin: germline.

GeneKor MSA
Classification: Benign for Hereditary cancer-predisposing syndrome. Last evaluated: 2025-07-10. Review status: criteria provided, single submitter. Criteria: ACMG Guidelines, 2015. Collection method: clinical testing. Allele origin: germline.

Center for Genomic Medicine, Rigshospitalet, Copenhagen University Hospital
Classification: Benign. Last evaluated: 2025-03-04. Review status: criteria provided, single submitter. Criteria: ACMG Guidelines, 2015. Collection method: clinical testing. Allele origin: germline.

Myriad Genetics, Inc.
Classification: Benign for Familial adenomatous polyposis 1. Last evaluated: 2024-04-10. Review status: criteria provided, single submitter. Criteria: Myriad Autosomal Dominant, Autosomal Recessive and X-Linked Classification Criteria (2023). Collection method: clinical testing. Allele origin: unknown.
Comment: This variant is considered benign. This variant is a silent/synonymous amino acid change and it is not expected to impact splicing.

KCCC/NGS Laboratory, Kuwait Cancer Control Center
Classification: Benign for Familial adenomatous polyposis 1. Last evaluated: 2023-07-07. Review status: criteria provided, single submitter. Criteria: ACMG Guidelines, 2015. Collection method: clinical testing. Allele origin: germline. Affected: yes.

Institute for Biomarker Research, Medical Diagnostic Laboratories, L.L.C.
Classification: Benign for Hereditary cancer-predisposing syndrome. Last evaluated: 2023-02-14. Review status: criteria provided, single submitter. Criteria: ACMG Guidelines, 2015. Collection method: clinical testing. Allele origin: germline.

ARUP Laboratories, Molecular Genetics and Genomics, ARUP Laboratories
Classification: Benign. Last evaluated: 2021-03-19. Review status: criteria provided, single submitter. Criteria: ARUP Molecular Germline Variant Investigation Process 2021. Collection method: clinical testing. Allele origin: germline.

Illumina Laboratory Services, Illumina
Classification: Benign for APC-Associated Polyposis Disorders. Last evaluated: 2018-01-13. Review status: criteria provided, single submitter. Criteria: ICSL Variant Classification Criteria 13 December 2019. Collection method: clinical testing. Allele origin: germline.
Comment: This variant was observed in the ICSL laboratory as part of a predisposition screen in an ostensibly healthy population. It had not been previously curated by ICSL or reported in the Human Gene Mutation Database (HGMD: prior to June 1st, 2018), and was therefore a candidate for classification through an automated scoring system. Utilizing variant allele frequency, disease prevalence and penetrance estimates, and inheritance mode, an automated score was calculated to assess if this variant is too frequent to cause the disease. Based on the score and internal cut-off values, a variant classified as benign is not then subjected to further curation. The score for this variant resulted in a classification of benign for this disease.

Color Diagnostics, LLC DBA Color Health
Classification: Benign for Hereditary cancer-predisposing syndrome. Last evaluated: 2016-03-18. Review status: criteria provided, single submitter. Criteria: ACMG Guidelines, 2015. Collection method: clinical testing. Allele origin: germline.

GeneDx
Classification: Benign. Last evaluated: 2015-03-03. Review status: criteria provided, single submitter. Criteria: GeneDx Variant Classification Process June 2021. Collection method: clinical testing. Allele origin: germline. Affected: yes.

Ambry Genetics
Classification: Benign for Hereditary cancer-predisposing syndrome. Last evaluated: 2014-11-19. Review status: criteria provided, single submitter. Criteria: Ambry Variant Classification Scheme 2023. Collection method: clinical testing. Allele origin: germline.

Eurofins Ntd Llc (ga)
Classification: Benign. Last evaluated: 2013-10-23. Review status: criteria provided, single submitter. Criteria: EGL Classification Definitions 2015. Collection method: clinical testing. Allele origin: germline. Observed: 3 variant alleles, 2 heterozygotes, 1 homozygote.

Laboratory for Molecular Medicine, Mass General Brigham Personalized Medicine
Classification: Benign. Last evaluated: 2011-03-29. Review status: criteria provided, single submitter. Criteria: LMM Criteria. Collection method: clinical testing. Allele origin: germline. Observed: 1 variant allele.

PreventionGenetics, part of Exact Sciences
Classification: Benign. Review status: criteria provided, single submitter. Criteria: ACMG Guidelines, 2015. Collection method: clinical testing. Allele origin: germline.

True Health Diagnostics
Classification: Likely benign for Hereditary cancer-predisposing syndrome. Last evaluated: 2017-10-25. Review status: no assertion criteria provided. Collection method: clinical testing. Allele origin: germline. Not counted in ClinVar's aggregate classification.

Clinical Genetics DNA and cytogenetics Diagnostics Lab, Erasmus MC, Erasmus Medical Center
Classification: Benign. Review status: no assertion criteria provided. Collection method: clinical testing. Allele origin: germline. Affected: yes. Study: VKGL Data-share Consensus. Not counted in ClinVar's aggregate classification.

Clinical Genetics, Academic Medical Center
Classification: Benign. Review status: no assertion criteria provided. Collection method: clinical testing. Allele origin: germline. Affected: yes. Study: VKGL Data-share Consensus. Not counted in ClinVar's aggregate classification.

Department of Pathology and Laboratory Medicine, Sinai Health System
Classification: Benign for Familial adenomatous polyposis 1. Review status: no assertion criteria provided. Collection method: clinical testing. Allele origin: unknown. Affected: yes. Observed: 1 variant allele. Study: The Canadian Open Genetics Repository (COGR). Not counted in ClinVar's aggregate classification.
Comment: The p.Gly2568Gly variant is not expected to have clinical significance because it does not result in a change of amino acid and is not located in a known consensus splice site. This variant was not identified in the literature, nor was it identified in the HGMD, UMD or LOVD databases. This variant was reported in dbSNP (ID#rs35043160), in the 1000 Genomes Project with a frequency of 0.027, and in the Exome Variant Server ESP Project with frequencies of 0.0002 in European American alleles and 0.097 in African American alleles, increasing the likelihood that this is a low frequency benign variant in certain populations of origin. In summary, based on the above information, this variant is classified as benign.

Genome Diagnostics Laboratory, Amsterdam University Medical Center
Classification: Benign. Review status: no assertion criteria provided. Collection method: clinical testing. Allele origin: germline. Affected: yes. Study: VKGL Data-share Consensus. Not counted in ClinVar's aggregate classification.

Joint Genome Diagnostic Labs from Nijmegen and Maastricht, Radboudumc and MUMC+
Classification: Benign. Review status: no assertion criteria provided. Collection method: clinical testing. Allele origin: germline. Affected: yes. Study: VKGL Data-share Consensus. Not counted in ClinVar's aggregate classification.

Laboratory of Diagnostic Genome Analysis, Leiden University Medical Center (LUMC)
Classification: Benign. Review status: no assertion criteria provided. Collection method: clinical testing. Allele origin: germline. Affected: yes. Study: VKGL Data-share Consensus. Not counted in ClinVar's aggregate classification.

Mayo Clinic Laboratories, Mayo Clinic
Classification: Benign. Review status: no assertion criteria provided. Collection method: clinical testing. Allele origin: unknown. Not counted in ClinVar's aggregate classification.

NM_000038.6(APC):c.7704A>G (p.Gly2568=)

Gene: APC (APC regulator of Wnt signaling pathway; plus strand). Cytogenetic location: 5q22.2.
Variant type: single nucleotide variant.
Coding change: c.7704A>G on transcript NM_000038.6 (MANE Select); coding-DNA position 7704, A replaced by G.
Protein change: p.Gly2568=; no amino-acid change (glycine 2568 retained).
Molecular consequence: synonymous variant.
Genome position (GRCh38, 1-based): chr5:112,843,298, A>G. VCF-style: chr5-112843298-A-G. GRCh37 (hg19) VCF-style: chr5-112178995-A-G.
Other names: CCDS4107.1:c.7704A>G; c.7704A>G, p.Gly2568= (NM_001127510.3, NM_001354895.2); c.7650A>G, p.Gly2550= (NM_001127511.3); c.7758A>G, p.Gly2586= (NM_001354896.2); c.7734A>G, p.Gly2578= (NM_001354897.2); c.7629A>G, p.Gly2543= (NM_001354898.2); c.7620A>G, p.Gly2540= (NM_001354899.2); c.7581A>G, p.Gly2527= (NM_001354900.2); and 6 more.
Identifiers: ClinVar variation 42250 (VCV000042250.55), dbSNP rs35043160, ClinGen allele CA013978.